The following is an entry in ClinVar:

ClinVar aggregate classification (germline): Uncertain significance (1 of 4 stars; one submission).

gnomAD v4.1: 19 of 1,613,894 alleles (0.0012%); highest among the groups gnomAD compares: Non-Finnish European, 0.0016%; no homozygotes.

Submission:

Ambry Genetics
Classification: Uncertain significance. Last evaluated: 2024-11-10. Review status: criteria provided, single submitter. Criteria: Ambry Variant Classification Scheme 2023. Collection method: clinical testing. Allele origin: germline.
Comment: The p.K42Q variant (also known as c.124A>C), located in coding exon 2 of the MYLK2 gene, results from an A to C substitution at nucleotide position 124. The lysine at codon 42 is replaced by glutamine, an amino acid with similar properties. This amino acid position is conserved. In addition, this alteration is predicted to be tolerated by in silico analysis. Based on the available evidence, the clinical significance of this variant remains unclear.

NM_033118.4(MYLK2):c.124A>C (p.Lys42Gln)

Gene: MYLK2 (myosin light chain kinase 2; plus strand). Cytogenetic location: 20q11.21.
Variant type: single nucleotide variant.
Coding change: c.124A>C on transcript NM_033118.4 (MANE Select); coding-DNA position 124, A replaced by C.
Protein change: p.Lys42Gln; replaces lysine 42 with glutamine.
Molecular consequence: missense variant.
Genome position (GRCh38, 1-based): chr20:31,820,197, A>C. VCF-style: chr20-31820197-A-C. GRCh37 (hg19) VCF-style: chr20-30408000-A-C.
Other names: short protein forms K42Q.
Identifiers: ClinVar variation 3401146 (VCV003401146.1).